The following is an entry in ClinVar:

NM_004937.3(CTNS):c.922G>A (p.Gly308Arg)

Gene: CTNS (cystinosin, lysosomal cystine transporter; plus strand). Cytogenetic location: 17p13.2.
Variant type: single nucleotide variant.
Coding change: c.922G>A on transcript NM_004937.3 (MANE Select); coding-DNA position 922, G replaced by A.
Protein change: p.Gly308Arg; replaces glycine 308 with arginine.
Molecular consequence: missense variant.
Genome position (GRCh38, 1-based): chr17:3,659,927, G>A. VCF-style: chr17-3659927-G-A. GRCh37 (hg19) VCF-style: chr17-3563221-G-A.
Other names: c.922G>A (NM_001031681.2); c.922G>A, p.Gly308Arg (NM_001031681.3, NM_001374492.1); c.481G>A, p.Gly161Arg (NM_001374493.1, NM_001374494.1, NM_001374495.1 and 1 more transcripts); short protein forms G308R, G161R.
Identifiers: ClinVar variation 267310 (VCV000267310.23), dbSNP rs746307931, ClinGen allele CA8291955.

ClinVar aggregate classification (germline): Pathogenic/Likely pathogenic. Review status: criteria provided, multiple submitters, no conflicts (2 of 4 stars). 10 submissions from 9 submitters: Pathogenic (7); Likely pathogenic (2). 1 of the submissions does not count toward it. Last evaluated 2025-11-19.

Conditions:
Cystinosis. Also called: Cystine diathesis; Cystine storage disease; Cystinoses. Identifiers: Orphanet 213, MedGen C4316899, MONDO:0016239.
Nephropathic cystinosis (CTNS). Also called: CYSTINOSIN, DEFECT OF; LYSOSOMAL CYSTINE TRANSPORT PROTEIN, DEFECT OF; Abderhalden Lignac Kaufmann disease; Abderhalden-Kaufmann-Lignac syndrome. Identifiers: Orphanet 213, Orphanet 411629, MedGen C2931187, MONDO:0100151, OMIM 219800.
Ocular cystinosis. Also called: Non-Nephropathic (Ocular) Cystinosis; Non-Nephropathic Cystinosis. Identifiers: Orphanet 213, Orphanet 411641, MedGen C2931013, MONDO:0009064, OMIM 219750.
Juvenile nephropathic cystinosis. Also called: Later-Onset (Juvenile) Cystinosis; CYSTINOSIS, LATE-ONSET JUVENILE OR ADOLESCENT NEPHROPATHIC TYPE; Intermediate Cystinosis. Identifiers: Orphanet 213, Orphanet 411634, MedGen C0268626, MONDO:0009066, OMIM 219900.
Inborn genetic diseases. Identifiers: MedGen C0950123, MeSH D030342.

Allele frequency attached by ClinVar (database versions not stated): gnomAD exomes below 0.00001 and 0.00003; gnomAD 0.00001; TOPMed 0.00002; ExAC 0.00001.
gnomAD v4.1: 48 of 1,613,628 alleles (0.003%); highest among the groups gnomAD compares: Middle Eastern, 0.017%; no homozygotes.

Submissions (10):

3billion
Classification: Pathogenic for Nephropathic cystinosis. Last evaluated: 2025-11-19. Review status: criteria provided, single submitter. Criteria: ACMG Guidelines, 2015. Collection method: clinical testing. Allele origin: germline. Affected: yes.
Comment: The variant is observed at an extremely low frequency in the gnomAD v4.1.0 dataset (total allele frequency: 0.003%). Predicted Consequence/Location: Missense variant. The majority of the known disease-causing variants of this gene are variants expected to result in premature termination of the protein. Functional studies provide strong evidence of the variant having a damaging effect on the gene or gene product (PMID: 12204010, 15128704). In silico tool predictions suggest damaging effect of the variant on gene or gene product [REVEL: 0.99 (>=0.6, sensitivity 0.68 and specificity 0.92); 3Cnet: 0.99 (> 0.75, sensitivity 0.96 and precision 0.92)]. The same nucleotide change resulting in the same amino acid change has been previously reported as pathogenic/likely pathogenic with strong evidence (ClinVar ID: VCV000267310 /PMID: 9792862 /3billion dataset). The variant has been observed in multiple (>3) similarly affected unrelated individuals (PMID: 10556299, 19863563, 9792862). The variant has been reported to be in trans with a pathogenic variant as either compound heterozygous or homozygous in at least one similarly affected unrelated individual (PMID: 19863563, 26266097, 9792862). Different missense changes at the same codon (p.Gly308Ala, p.Gly308Glu, p.Gly308Val) have been reported as pathogenic/likely pathogenic with strong evidence (ClinVar ID: VCV002137880, VCV003581879 /PMID: 12204010, 23640116). Therefore, this variant is classified as Pathogenic according to the recommendation of ACMG/AMP guideline.

Natera, Inc.
Classification: Pathogenic for Cystinosis. Last evaluated: 2025-11-10. Review status: criteria provided, single submitter. Criteria: Natera Variant Classification Schema (03/2026). Collection method: clinical testing. Allele origin: germline.
Comment: The c.922G>A variant in CTNS is a missense variant predicted to cause substitution of glycine to arginine at amino acid 308. This variant is rare in the general population with a frequency below the threshold expected for the associated phenotype(s). This variant has been observed in one or more individuals affected with the associated recessive disease, as either homozygous or compound heterozygous with a second variant (PMID: 10556299, 24464559). Computational prediction algorithms indicate this variant is likely to affect gene or protein function. Given the available evidence, this variant is classified as Pathogenic.

North West Genomic Laboratory Hub, Manchester University NHS Foundation Trust
Classification: Likely pathogenic for Cystinosis. Last evaluated: 2025-05-01. Review status: criteria provided, single submitter. Criteria: ACGS Best Practice Guidelines for Variant Classification in Rare Disease 2024. Collection method: clinical testing. Allele origin: germline. Affected: yes.
Comment: PM3_Mod PP3_Supp PS3_Supp PP4_Supp PM2_Mod

Labcorp Genetics (formerly Invitae), Labcorp
Classification: Pathogenic for Inborn genetic diseases; Ocular cystinosis; Juvenile nephropathic cystinosis. Last evaluated: 2025-03-31. Review status: criteria provided, single submitter. Criteria: Invitae Variant Classification Sherloc (09022015). Collection method: clinical testing. Allele origin: germline.
Comment: This sequence change replaces glycine, which is neutral and non-polar, with arginine, which is basic and polar, at codon 308 of the CTNS protein (p.Gly308Arg). This variant is present in population databases (rs746307931, gnomAD 0.0009%). This missense change has been observed in individuals with cystinosis (PMID: 9792862, 12204010, 15128704, 19863563, 26266097). ClinVar contains an entry for this variant (Variation ID: 267310). Invitae Evidence Modeling of protein sequence and biophysical properties (such as structural, functional, and spatial information, amino acid conservation, physicochemical variation, residue mobility, and thermodynamic stability) indicates that this missense variant is expected to disrupt CTNS protein function with a positive predictive value of 80%. Experimental studies have shown that this missense change affects CTNS function (PMID: 11689434, 12204010). This variant disrupts the p.Gly308 amino acid residue in CTNS. Other variant(s) that disrupt this residue have been observed in individuals with CTNS-related conditions (PMID: 9792862, 12204010, 23640116), which suggests that this may be a clinically significant amino acid residue. For these reasons, this variant has been classified as Pathogenic.

GeneDx
Classification: Pathogenic. Last evaluated: 2025-03-03. Review status: criteria provided, single submitter. Criteria: GeneDx Variant Classification Process June 2021. Collection method: clinical testing. Allele origin: germline. Affected: yes.
Comment: Published functional studies demonstrate that p.(G308R) severely affects cystine transport (PMID: 11689434); Not observed at significant frequency in large population cohorts (gnomAD); In silico analysis supports that this missense variant has a deleterious effect on protein structure/function; This variant is associated with the following publications: (PMID: 9792862, 38525388, 26266097, 35524314, 30949462, 34572146, 23640116, 24464559, 10556299, 19863563, 34911613, 19852576, 15128704, 11689434)

Genomic Medicine Center of Excellence, King Faisal Specialist Hospital and Research Centre
Classification: Likely pathogenic for Nephropathic cystinosis. Last evaluated: 2024-04-04. Review status: criteria provided, single submitter. Criteria: ACMG Guidelines, 2015. Collection method: clinical testing. Allele origin: germline.

Baylor Genetics
Classification: Pathogenic for Nephropathic cystinosis. Last evaluated: 2023-11-30. Review status: criteria provided, single submitter. Criteria: ACMG Guidelines, 2015. Collection method: clinical testing. Allele origin: unknown.

Women's Health and Genetics/Laboratory Corporation of America, LabCorp
Classification: Pathogenic for Cystinosis. Last evaluated: 2020-01-30. Review status: criteria provided, single submitter. Criteria: LabCorp Variant Classification Summary - May 2015. Collection method: clinical testing. Allele origin: germline.
Comment: Variant summary: CTNS c.922G>A (p.Gly308Arg) results in a non-conservative amino acid change located in the sixth transmembrane domain (Kalatzis_2004) of the encoded protein sequence. Five of five in-silico tools predict a damaging effect of the variant on protein function. The variant allele was found at a frequency of 4e-06 in 251050 control chromosomes (gnomAD). c.922G>A has been reported in the literature in multiple individuals affected with Cystinosis (Shotelersuk_1998, Attard_1999). These data indicate that the variant is very likely to be associated with disease. At least two functional studies reports this variant is sufficient to abolish the transport activity of cystinosin without altering its subcellular localization. Two Six ClinVar submitters (evaluation after 2014) cite the variant as pathogenic. Based on the evidence outlined above, the variant was classified as pathogenic.

Baylor Genetics
Classification: Pathogenic for Juvenile nephropathic cystinosis; Nephropathic cystinosis; Ocular cystinosis. Review status: criteria provided, single submitter. Criteria: ACMG Guidelines, 2015. Collection method: clinical testing. Allele origin: germline.

GeneReviews
No classification provided. Condition: Cystinosis. Review status: no classification provided. Collection method: literature only. Allele origin: germline. Affected: yes. Not counted in ClinVar's aggregate classification.

Literature cited by the submitters: PubMed 10556299 (cited by 3 submitters); PubMed 15128704 (cited by 3 submitters); PubMed 9792862 (cited by 3 submitters); PubMed 12204010 (cited by 3billion and Labcorp Genetics (formerly Invitae), Labcorp); PubMed 26266097 (cited by 3billion and Labcorp Genetics (formerly Invitae), Labcorp); PubMed 19863563 (cited by 3billion and Labcorp Genetics (formerly Invitae), Labcorp); PubMed 24464559 (cited by Natera, Inc.); PubMed 11689434 (cited by Labcorp Genetics (formerly Invitae), Labcorp and Women's Health and Genetics/Laboratory Corporation of America, LabCorp); PubMed 23640116 (cited by Labcorp Genetics (formerly Invitae), Labcorp); PubMed 10571941 (cited by Women's Health and Genetics/Laboratory Corporation of America, LabCorp); NCBI Bookshelf NBK1400 (cited by GeneReviews).